The following is an entry in ClinVar:

NM_194255.4(SLC19A1):c.1293+5G>C

Gene: SLC19A1 (solute carrier family 19 member 1; minus strand). Cytogenetic location: 21q22.3.
Variant type: single nucleotide variant.
Coding change: c.1293+5G>C on transcript NM_194255.4 (MANE Select); 5 bases into the intron after coding-DNA position 1293, G replaced by C.
Molecular consequence: intron variant.
Genome position (GRCh38, 1-based): chr21:45,525,812, C>G on the plus strand (G>C on the coding strand, the complement: SLC19A1 is on the minus strand). VCF-style: chr21-45525812-C-G. GRCh37 (hg19) VCF-style: chr21-46945726-C-G.
Other names: c.1293+5G>C (NM_001352511.3, NM_001205206.4, NM_001352512.2); c.939+5G>C (NM_001352510.2); c.1173+5G>C (NM_001205207.3).
Identifiers: ClinVar variation 1498846 (VCV001498846.6), dbSNP rs2146291558, ClinGen allele CA2573157591.
Genomic context (GRCh38, chr21:45,525,812, plus strand): 5'-AGGCCTCAACAATGTCCCCACAAGTAGCTTCCATCCCCGAGGACGCAGGCCTGAAATGGG[C>G]TCACCTGCTTGCGGACCGGGAGGCCCAGGCCCCGCACGTCCGAGACAATGAAAGTGATGA-3'

ClinVar aggregate classification (germline): Uncertain significance (1 of 4 stars; one submission).

Allele frequency attached by ClinVar (database versions not stated): gnomAD exomes 0.00001.
gnomAD v4.1: 4 of 1,613,064 alleles (0.00025%); highest among the groups gnomAD compares: Non-Finnish European, 0.00034%; no homozygotes.

Submission:

Labcorp Genetics (formerly Invitae), Labcorp
Classification: Uncertain significance. Last evaluated: 2024-02-24. Review status: criteria provided, single submitter. Criteria: Invitae Variant Classification Sherloc (09022015). Collection method: clinical testing. Allele origin: germline.
Comment: This sequence change falls in intron 5 of the SLC19A1 gene. It does not directly change the encoded amino acid sequence of the SLC19A1 protein. It affects a nucleotide within the consensus splice site. This variant is not present in population databases (gnomAD no frequency). This variant has not been reported in the literature in individuals affected with SLC19A1-related conditions. ClinVar contains an entry for this variant (Variation ID: 1498846). Variants that disrupt the consensus splice site are a relatively common cause of aberrant splicing (PMID: 17576681, 9536098). Algorithms developed to predict the effect of sequence changes on RNA splicing suggest that this variant is not likely to affect RNA splicing. In summary, the available evidence is currently insufficient to determine the role of this variant in disease. Therefore, it has been classified as a Variant of Uncertain Significance.

Literature cited by the submitters: PubMed 17576681; PubMed 9536098.